The following is an entry in ClinVar:

ClinVar aggregate classification (germline): Benign (0 of 4 stars; one submission).

Conditions:
FUT3-related disorder. Also called: FUT3-related condition.

Allele frequency attached by ClinVar (database versions not stated): gnomAD 0.17275; TOPMed 0.19319; 1000 Genomes Project 0.25280; 1000 Genomes Project 30x 0.25281.

Submission:

PreventionGenetics, part of Exact Sciences
Classification: Benign for FUT3-related condition. Last evaluated: 2019-10-18. Review status: no assertion criteria provided. Collection method: clinical testing. Allele origin: germline.
Comment: This variant is classified as benign based on ACMG/AMP sequence variant interpretation guidelines (Richards et al. 2015 PMID: 25741868, with internal and published modifications).

NM_001097639.3(FUT3):c.59T>G (p.Leu20Arg)

Gene: FUT3 (fucosyltransferase 3 (Lewis blood group); minus strand). Cytogenetic location: 19p13.3.
Variant type: single nucleotide variant.
Coding change: c.59T>G on transcript NM_001097639.3 (MANE Select); coding-DNA position 59, T replaced by G.
Protein change: p.Leu20Arg; replaces leucine 20 with arginine.
Molecular consequence: missense variant.
Genome position (GRCh38, 1-based): chr19:5,844,781, A>C on the plus strand (T>G on the coding strand, the complement: FUT3 is on the minus strand). VCF-style: chr19-5844781-A-C. GRCh37 (hg19) VCF-style: chr19-5844792-A-C.
Other names: c.59T>G (NM_000149.3); c.59T>G, p.Leu20Arg (NM_000149.4, NM_001097640.3, NM_001097641.3 and 8 more transcripts); short protein forms L20R.
Identifiers: ClinVar variation 242770 (VCV000242770.3), dbSNP rs28362459, ClinGen allele CA039930.